The following is an entry in ClinVar:

NM_007194.4(CHEK2):c.1300G>A (p.Val434Met)

Gene: CHEK2 (checkpoint kinase 2; minus strand). Cytogenetic location: 22q12.1.
Variant type: single nucleotide variant.
Coding change: c.1300G>A on transcript NM_007194.4 (MANE Select); coding-DNA position 1300, G replaced by A.
Protein change: p.Val434Met; replaces valine 434 with methionine.
Molecular consequence: missense variant.
Genome position (GRCh38, 1-based): chr22:28,695,202, C>T on the plus strand (G>A on the coding strand, the complement: CHEK2 is on the minus strand). VCF-style: chr22-28695202-C-T. GRCh37 (hg19) VCF-style: chr22-29091190-C-T.
Other names: c.1429G>A, p.Val477Met (NM_001005735.3); c.637G>A, p.Val213Met (NM_001257387.3); c.1099G>A, p.Val367Met (NM_001349956.3); c.1213G>A, p.Val405Met (NM_145862.3); short protein forms V434M, V367M, V405M, V213M, V477M.
Identifiers: ClinVar variation 233306 (VCV000233306.17), dbSNP rs876660323, ClinGen allele CA10581043.
Genomic context (GRCh38, chr22:28,695,202, plus strand): 5'-CTGCCCAGACTTCAGGAATGAAGTTGTATTTTCCACTGGTGATCTGATCCTTCAGTGACA[C>T]TTGAGTCCTATGCTCAGAGAAAGGTGGATACCCACTAAGGCTTAATATTGGTAGAGAGAG-3'
Protein context (NP_009125.1, residues 424-444): YPPFSEHRTQ[Val434Met]SLKDQITSGK

ClinVar aggregate classification (germline): Uncertain significance. Review status: criteria provided, multiple submitters, no conflicts (2 of 4 stars). 4 submissions from 4 submitters: Uncertain significance (4). Last evaluated 2026-10-01.

Conditions:
Predisposition to cancer.
Hereditary cancer-predisposing syndrome. Also called: Hereditary neoplastic syndrome; Hereditary Cancer Syndrome; Neoplastic Syndromes, Hereditary; Tumor predisposition. Identifiers: Orphanet 140162, MedGen C0027672, MeSH D009386, MONDO:0015356.
Familial cancer of breast. Also called: Hereditary breast cancer; BREAST CANCER, FAMILIAL; hereditary breast carcinoma. Identifiers: Orphanet 227535, MedGen C0346153, MONDO:0016419, OMIM 114480. Disease mechanism: loss of function.

Allele frequency attached by ClinVar (database versions not stated): gnomAD exomes below 0.00001.

Submissions (4):

St. Jude Molecular Pathology, St. Jude Children's Research Hospital
Classification: Uncertain significance for Predisposition to cancer. Last evaluated: 2026-10-01. Review status: criteria provided, single submitter. Criteria: St. Jude Assertion Criteria 2020. Collection method: clinical testing. Allele origin: germline.
Comment: The CHEK2 c.1300G>A p.(Val434Met) missense change has a maximum subpopulation frequency of 0.005% in gnomAD v2.1.1. The in silico tool REVEL predicts a benign effect on protein function and functional studies support that this variant behaves similar to wildtype (PMID: 37449874). To our knowledge, this variant has not been reported as pathog enic in individuals with CHEK2-related tumors. In summary, the evidence currently available is insufficient to determine the clinical significance of this variant. It has therefore been classified as of uncertain significance.

Labcorp Genetics (formerly Invitae), Labcorp
Classification: Uncertain significance for Familial cancer of breast. Last evaluated: 2025-12-08. Review status: criteria provided, single submitter. Criteria: Invitae Variant Classification Sherloc (09022015). Collection method: clinical testing. Allele origin: germline.
Comment: This sequence change replaces valine, which is neutral and non-polar, with methionine, which is neutral and non-polar, at codon 434 of the CHEK2 protein (p.Val434Met). This variant is not present in population databases (gnomAD no frequency). This variant has not been reported in the literature in individuals affected with CHEK2-related conditions. ClinVar contains an entry for this variant (Variation ID: 233306). An algorithm developed to predict the effect of missense changes on protein structure and function outputs the following: PolyPhen-2: "Benign". The methionine amino acid residue is found in multiple mammalian species, which suggests that this missense change does not adversely affect protein function. In summary, the available evidence is currently insufficient to determine the role of this variant in disease. Therefore, it has been classified as a Variant of Uncertain Significance.

Color Diagnostics, LLC DBA Color Health
Classification: Uncertain significance for Hereditary cancer-predisposing syndrome. Last evaluated: 2025-08-20. Review status: criteria provided, single submitter. Criteria: ACMG Guidelines, 2015. Collection method: clinical testing. Allele origin: germline.
Comment: This missense variant replaces valine with methionine at codon 434 of the CHEK2 protein. Computational prediction suggests that this variant may not impact protein structure and function. Experimental studies have demonstrated this variant to be functional in KAP1 kinase and CHK2 autophosphorylation assays. (PMID: 37449874). This variant has not been reported in individuals affected with hereditary cancer in the literature. This variant has been identified in 1/250998 chromosomes in the general population by the Genome Aggregation Database (gnomAD). The available evidence is insufficient to determine the role of this variant in disease conclusively. Therefore, this variant is classified as a Variant of Uncertain Significance.

Ambry Genetics
Classification: Uncertain significance for Hereditary cancer-predisposing syndrome. Last evaluated: 2024-04-11. Review status: criteria provided, single submitter. Criteria: Ambry Variant Classification Scheme 2023. Collection method: clinical testing. Allele origin: germline.
Comment: The p.V434M variant (also known as c.1300G>A), located in coding exon 11 of the CHEK2 gene, results from a G to A substitution at nucleotide position 1300. The valine at codon 434 is replaced by methionine, an amino acid with highly similar properties. This alteration was reported as functional in a study assessing CHEK2-complementation through quantification of KAP1 phosphorylation and CHK2 autophosphorylation in human RPE1-CHEK2-knockout cells (Stolarova L et al. Clin Cancer Res, 2023 Aug;29:3037-3050). This amino acid position is well conserved in available vertebrate species. In addition, this alteration is predicted to be tolerated by in silico analysis. Based on the available evidence, the clinical significance of this variant remains unclear.

Literature cited by the submitters: PubMed 37449874 (cited by Color Diagnostics, LLC DBA Color Health and Ambry Genetics).